The following is an entry in ClinVar:

NM_017649.5(CNNM2):c.1264G>C (p.Asp422His)

Gene: CNNM2 (cyclin and CBS domain divalent metal cation transport mediator 2; plus strand). Cytogenetic location: 10q24.32.
Variant type: single nucleotide variant.
Coding change: c.1264G>C on transcript NM_017649.5 (MANE Select); coding-DNA position 1264, G replaced by C.
Protein change: p.Asp422His; replaces aspartic acid 422 with histidine.
Molecular consequence: missense variant.
Genome position (GRCh38, 1-based): chr10:102,919,744, G>C. VCF-style: chr10-102919744-G-C. GRCh37 (hg19) VCF-style: chr10-104679501-G-C.
Other names: c.1264G>C, p.Asp422His (NM_199076.3, NM_199077.3); short protein forms D422H.
Identifiers: ClinVar variation 3731156 (VCV003731156.2).

ClinVar aggregate classification (germline): Uncertain significance. Review status: criteria provided, multiple submitters, no conflicts (2 of 4 stars). 2 submissions from 2 submitters: Uncertain significance (2). Last evaluated 2026-06-23.

Submissions (2):

Women's Health and Genetics/Laboratory Corporation of America, LabCorp
Classification: Uncertain significance. Last evaluated: 2026-06-23. Review status: criteria provided, single submitter. Criteria: LabCorp Variant Classification Summary - May 2015. Collection method: clinical testing. Allele origin: germline.
Comment: Variant summary: CNNM2 c.1264G>C (p.Asp422His) results in a non-conservative amino acid change in the encoded protein sequence. Algorithms developed to predict the effect of missense changes on protein structure and function all suggest that this variant is likely to be disruptive. The frequency data for this variant in gnomAD is considered unreliable, as metrics indicate poor data quality at this position. To our knowledge, no occurrence of c.1264G>C in individuals affected with CNNM2-related conditions and no experimental evidence demonstrating its impact on protein function have been reported. ClinVar contains an entry for this variant (Variation ID: 3731156). Based on the evidence outlined above, the variant was classified as uncertain significance.

GeneDx
Classification: Uncertain significance. Last evaluated: 2024-08-12. Review status: criteria provided, single submitter. Criteria: GeneDx Variant Classification Process June 2021. Collection method: clinical testing. Allele origin: germline. Affected: yes.
Comment: Not observed at significant frequency in large population cohorts (gnomAD); In silico analysis supports that this missense variant has a deleterious effect on protein structure/function; Has not been previously published as pathogenic or benign to our knowledge